The following is an entry in ClinVar:

NM_153460.4(IL17RC):c.969C>T (p.Pro323=)

Gene: IL17RC (interleukin 17 receptor C; plus strand). Cytogenetic location: 3p25.3.
Variant type: single nucleotide variant.
Coding change: c.969C>T on transcript NM_153460.4 (MANE Select); coding-DNA position 969, C replaced by T.
Protein change: p.Pro323=; no amino-acid change (proline 323 retained).
Molecular consequence: synonymous variant. On other transcripts: non-coding transcript variant (1).
Genome position (GRCh38, 1-based): chr3:9,928,396, C>T. VCF-style: chr3-9928396-C-T. GRCh37 (hg19) VCF-style: chr3-9970080-C-T.
Other names: c.969C>T, p.Pro323= (NM_001203263.2, NM_001203264.2); c.924C>T, p.Pro308= (NM_001203265.2, NM_001367280.1, NM_032732.6); c.930C>T, p.Pro310= (NM_001367278.1); c.849C>T, p.Pro283= (NM_001367279.1); c.1182C>T, p.Pro394= (NM_153461.4).
Identifiers: ClinVar variation 729887 (VCV000729887.36), dbSNP rs137952141, ClinGen allele CA2247085.
Genomic context (GRCh38, chr3:9,928,396, plus strand): 5'-CGCCCGACTGCAACTGCTGACCCTGCAGAGCTGGCTGCTGGACGCACCGTGCTCGCTGCC[C>T]GCAGAAGCGGCACTGTGCTGGCGGGCTCCGGGTGGGGACCCCTGCCAGCCACTGGTCCCA-3'
Protein context (NP_703190.2, residues 313-333): SWLLDAPCSL[Pro323=]AEAALCWRAP

ClinVar aggregate classification (germline): Likely benign. Review status: criteria provided, multiple submitters, no conflicts (2 of 4 stars). 5 submissions from 5 submitters: Likely benign (3). 2 of the submissions do not count toward it. Last evaluated 2026-02-01.

Conditions:
Candidiasis, familial, 9 (CANDF9). Identifiers: Orphanet 1334, MedGen C4225324, MONDO:0014642, OMIM 616445.

Allele frequency attached by ClinVar (database versions not stated): 1000 Genomes Project 0.00060; 1000 Genomes Project 30x 0.00062; ESP Exome Variant Server 0.00092; gnomAD exomes 0.00098 and 0.00203; ExAC 0.00101; gnomAD 0.00115 and 0.00118; TOPMed 0.00128.
gnomAD v4.1: 3,057 of 1,604,950 alleles (0.19%); highest among the groups gnomAD compares: Non-Finnish European, 0.25%; 4 homozygotes.

Submissions (5):

Labcorp Genetics (formerly Invitae), Labcorp
Classification: Likely benign for Candidiasis, familial, 9. Last evaluated: 2026-02-01. Review status: criteria provided, single submitter. Criteria: Invitae Variant Classification Sherloc (09022015). Collection method: clinical testing. Allele origin: germline.

Blueprint Genetics
Classification: Likely benign. Last evaluated: 2024-11-20. Review status: criteria provided, single submitter. Criteria: ACMG Guidelines, 2015. Collection method: clinical testing. Allele origin: germline.

CeGaT Center for Human Genetics Tuebingen
Classification: Likely benign. Last evaluated: 2022-11-01. Review status: criteria provided, single submitter. Criteria: CeGaT Center For Human Genetics Tuebingen Variant Classification Criteria Version 2. Collection method: clinical testing. Allele origin: germline. Affected: yes. Observed: 1 variant allele.
Comment: IL17RC: BP4, BP7

Clinical Genetics DNA and cytogenetics Diagnostics Lab, Erasmus MC, Erasmus Medical Center
Classification: Likely benign. Review status: no assertion criteria provided. Collection method: clinical testing. Allele origin: germline. Affected: yes. Study: VKGL Data-share Consensus. Not counted in ClinVar's aggregate classification.

Genome Diagnostics Laboratory, University Medical Center Utrecht
Classification: Likely benign. Review status: no assertion criteria provided. Collection method: clinical testing. Allele origin: germline. Affected: yes. Study: VKGL Data-share Consensus. Not counted in ClinVar's aggregate classification.